The following is an entry in ClinVar:

NM_001707.4(BCL7B):c.297C>T (p.Asp99=)

Gene: BCL7B (BAF chromatin remodeling complex subunit BCL7B; minus strand). Cytogenetic location: 7q11.23.
Variant type: single nucleotide variant.
Coding change: c.297C>T on transcript NM_001707.4 (MANE Select); coding-DNA position 297, C replaced by T.
Protein change: p.Asp99=; no amino-acid change (aspartic acid 99 retained).
Molecular consequence: synonymous variant. On other transcripts: non-coding transcript variant (1), intron variant (1).
Genome position (GRCh38, 1-based): chr7:73,540,021, G>A on the plus strand (C>T on the coding strand, the complement: BCL7B is on the minus strand). VCF-style: chr7-73540021-G-A. GRCh37 (hg19) VCF-style: chr7-72954351-G-A.
Other names: c.330C>T, p.Asp110= (NM_001301061.2); c.266-2008C>T (NM_001197244.2).
Identifiers: ClinVar variation 4084059 (VCV004084059.8).
Genomic context (GRCh38, chr7:73,540,021, plus strand): 5'-CTCACTCTGCTGGGGGCTGGGGCTTGAGTTGGTGCTGCTGTCCACCTTAAGCTGATAGAC[G>A]TCAGACACGGAACTCTGGTTGCTGTTTTCGTCTGAAAACCAAACAGAACAAAGGCAGCAG-3'
Protein context (NP_001698.2, residues 89-109): DENSNQSSVS[Asp99=]VYQLKVDSST

ClinVar aggregate classification (germline): Likely benign (1 of 4 stars; one submission).

gnomAD v4.1: 23 of 1,613,876 alleles (0.0014%); highest among the groups gnomAD compares: Admixed American, 0.0067%; no homozygotes.

Submission:

CeGaT Center for Human Genetics Tuebingen
Classification: Likely benign. Last evaluated: 2025-07-01. Review status: criteria provided, single submitter. Criteria: CeGaT Center For Human Genetics Tuebingen Variant Classification Criteria Version 2. Collection method: clinical testing. Allele origin: germline. Affected: yes. Observed: 1 variant allele.
Comment: BCL7B: BP4, BP7